The following is an entry in ClinVar:

NM_001080413.3(NOBOX):c.131G>T (p.Arg44Leu)

Gene: NOBOX (NOBOX oogenesis homeobox; minus strand). Cytogenetic location: 7q35.
Variant type: single nucleotide variant.
Coding change: c.131G>T on transcript NM_001080413.3; coding-DNA position 131, G replaced by T.
Protein change: p.Arg44Leu; replaces arginine 44 with leucine.
Genome position (GRCh38, 1-based): chr7:144,404,635, C>A on the plus strand (G>T on the coding strand, the complement: NOBOX is on the minus strand). VCF-style: chr7-144404635-C-A. GRCh37 (hg19) VCF-style: chr7-144101728-C-A.
Other names: NM_001080413.3:c.131G>T; short protein forms R44L.
Identifiers: ClinVar variation 359155 (VCV000359155.7), dbSNP rs115206969, ClinGen allele CA4544953.

ClinVar aggregate classification (germline): Benign/Likely benign. Review status: criteria provided, multiple submitters, no conflicts (2 of 4 stars). 3 submissions from 3 submitters: Benign (2); Likely benign (1). Last evaluated 2022-01-27.

Conditions:
Premature ovarian failure 5 (POF5). Identifiers: MedGen C1969060, MONDO:0012689, OMIM 611548.

Allele frequency attached by ClinVar (database versions not stated): 1000 Genomes Project 0.00958; gnomAD 0.00497 and 0.00480; ESP Exome Variant Server 0.00617; TOPMed 0.00545; 1000 Genomes Project 30x 0.00999.
gnomAD v4.1: 1,557 of 1,613,898 alleles (0.096%); highest among the groups gnomAD compares: African/African-American, 1.7%; 12 homozygotes.

Submissions (3):

GeneDx
Classification: Likely benign. Last evaluated: 2022-01-27. Review status: criteria provided, single submitter. Criteria: GeneDx Variant Classification Process June 2021. Collection method: clinical testing. Allele origin: germline. Affected: yes.
Comment: See Variant Classification Assertion Criteria.

Illumina Laboratory Services, Illumina
Classification: Benign for Premature ovarian failure 5. Last evaluated: 2018-01-13. Review status: criteria provided, single submitter. Criteria: ICSL Variant Classification Criteria 13 December 2019. Collection method: clinical testing. Allele origin: germline.
Comment: This variant was observed in the ICSL laboratory as part of a predisposition screen in an ostensibly healthy population. It had not been previously curated by ICSL or reported in the Human Gene Mutation Database (HGMD: prior to June 1st, 2018), and was therefore a candidate for classification through an automated scoring system. Utilizing variant allele frequency, disease prevalence and penetrance estimates, and inheritance mode, an automated score was calculated to assess if this variant is too frequent to cause the disease. Based on the score and internal cut-off values, a variant classified as benign is not then subjected to further curation. The score for this variant resulted in a classification of benign for this disease.

Breakthrough Genomics
Classification: Benign. Review status: criteria provided, single submitter. Criteria: ACMG Guidelines, 2015. Collection method: not provided. Allele origin: germline. Inheritance: Autosomal dominant inheritance. Affected: yes.